The following is an entry in ClinVar:

NM_000321.3(RB1):c.1389+5G>A

Gene: RB1 (RB transcriptional corepressor 1; plus strand). Cytogenetic location: 13q14.2.
Variant type: single nucleotide variant.
Coding change: c.1389+5G>A on transcript NM_000321.3 (MANE Select); 5 bases into the intron after coding-DNA position 1389, G replaced by A.
Molecular consequence: intron variant.
Genome position (GRCh38, 1-based): chr13:48,379,655, G>A. VCF-style: chr13-48379655-G-A. GRCh37 (hg19) VCF-style: chr13-48953791-G-A.
Identifiers: ClinVar variation 428677 (VCV000428677.6), dbSNP rs1131690859, ClinGen allele CA645369547.
Genomic context (GRCh38, chr13:48,379,655, plus strand): 5'-GATACAAACTTGGAGTTCGCTTGTATTACCGAGTAATGGAATCCATGCTTAAATCAGTAA[G>A]TTAAAAACAATATAAAAAAATTTCAGCCGGGCGCGGTGGCTCACGCCTGCAATCCCAGCA-3'

ClinVar aggregate classification (germline): Pathogenic. Review status: criteria provided, multiple submitters, no conflicts (2 of 4 stars). 2 submissions from 2 submitters: Pathogenic (2). Last evaluated 2026-01-28.

Conditions:
Hereditary cancer-predisposing syndrome. Also called: Hereditary Cancer Syndrome; Neoplastic Syndromes, Hereditary; Hereditary neoplastic syndrome; Tumor predisposition. Identifiers: Orphanet 140162, MedGen C0027672, MeSH D009386, MONDO:0015356.
Retinoblastoma (RB1). Also called: RETINOBLASTOMA, SOMATIC. Identifiers: Orphanet 790, MedGen C0035335, MeSH D012175, MONDO:0008380, OMIM 180200, HP:0009919. Disease mechanism: loss of function. Inheritance: Both sporadic and heritable forms are tested..

Submissions (2):

Labcorp Genetics (formerly Invitae), Labcorp
Classification: Pathogenic for Retinoblastoma. Last evaluated: 2026-01-28. Review status: criteria provided, single submitter. Criteria: Invitae Variant Classification Sherloc (09022015). Collection method: clinical testing. Allele origin: germline.
Comment: This sequence change falls in intron 14 of the RB1 gene. It does not directly change the encoded amino acid sequence of the RB1 protein. RNA analysis indicates that this variant induces altered splicing and may result in an absent or altered protein product. This variant is not present in population databases (gnomAD no frequency). This variant has been observed in individual(s) with retinoblastoma (PMID: 11317357, 31772335; internal data). ClinVar contains an entry for this variant (Variation ID: 428677). Variants that disrupt the consensus splice site are a relatively common cause of aberrant splicing (PMID: 17576681, 9536098). Studies have shown that this variant results in skipping of exon 14, and produces a non-functional protein and/or introduces a premature termination codon (PMID: 11317357). For these reasons, this variant has been classified as Pathogenic.

Ambry Genetics
Classification: Pathogenic for Hereditary cancer-predisposing syndrome. Last evaluated: 2018-01-24. Review status: criteria provided, single submitter. Criteria: Ambry Variant Classification Scheme 2023. Collection method: clinical testing. Allele origin: germline.
Comment: The c.1389+5G>A intronic pathogenic mutation (also known as g.76491G>A and IVS14+5G>A in some literature) results from a G to A substitution 5 nucleotides after coding exon 14 in the RB1 gene. This pathogenic mutation has been reported in several individuals affected with RB, and RT-PCR analyses have demonstrated that this mutation leads to exon 14 skipping (Alonso J et al. Hum. Mutat. 2001 May; 17(5):412-22; Houdayer C et al. Hum. Mutat. 2008 Jul; 29(7):975-82). In addition to the clinical data presented in the literature, alterations that disrupt the canonical splice site are expected to cause aberrant splicing, resulting in an abnormal protein or a transcript that is subject to nonsense-mediated mRNA decay. As such, this alteration is classified as a disease-causing mutation.

Literature cited by the submitters: PubMed 11317357 (cited by Labcorp Genetics (formerly Invitae), Labcorp and Ambry Genetics); PubMed 31772335 (cited by Labcorp Genetics (formerly Invitae), Labcorp); PubMed 17576681 (cited by Labcorp Genetics (formerly Invitae), Labcorp); PubMed 9536098 (cited by Labcorp Genetics (formerly Invitae), Labcorp); PubMed 18449911 (cited by Ambry Genetics).